The following is an entry in ClinVar:

ClinVar aggregate classification (germline): Likely benign (1 of 4 stars; one submission).

Conditions:
BRCA2-related cancer predisposition. Identifiers: MedGen CN377758, MONDO:0700269.

Submission:

All of Us Research Program, National Institutes of Health
Classification: Likely benign for BRCA2-related cancer predisposition. Last evaluated: 2024-02-22. Review status: criteria provided, single submitter. Criteria: ACMG Guidelines, 2015. Collection method: clinical testing. Allele origin: germline. Inheritance: Autosomal dominant inheritance. Observed: 1 variant allele, 1 heterozygote.
Comment: This study involves interpretation of variants in research participants for the purpose of population health screening. Participant phenotype was not available at the time of variant classification. Additional details can be found in publication PMID: 35346344, PMCID: PMC8962531

NM_000059.4(BRCA2):c.2385A>T (p.Ser795=)

Gene: BRCA2 (BRCA2 DNA repair associated; plus strand). Cytogenetic location: 13q13.1.
Variant type: single nucleotide variant.
Coding change: c.2385A>T on transcript NM_000059.4 (MANE Select); coding-DNA position 2385, A replaced by T.
Protein change: p.Ser795=; no amino-acid change (serine 795 retained).
Molecular consequence: synonymous variant. On other transcripts: non-coding transcript variant (1), intron variant (2).
Genome position (GRCh38, 1-based): chr13:32,336,740, A>T. VCF-style: chr13-32336740-A-T. GRCh37 (hg19) VCF-style: chr13-32910877-A-T.
Other names: c.2385A>T, p.Ser795= (NM_001406719.1, NM_001406720.1, NM_001432077.1); c.1909+3353A>T (NM_001406721.1); c.424+5710A>T (NM_001406722.1).
Identifiers: ClinVar variation 3386237 (VCV003386237.1).